The following is an entry in ClinVar:

NM_145200.5(CABP4):c.464G>A (p.Gly155Asp)

Gene: CABP4 (calcium binding protein 4; plus strand). Cytogenetic location: 11q13.2.
Variant type: single nucleotide variant.
Coding change: c.464G>A on transcript NM_145200.5 (MANE Select); coding-DNA position 464, G replaced by A.
Protein change: p.Gly155Asp; replaces glycine 155 with aspartic acid.
Molecular consequence: missense variant.
Genome position (GRCh38, 1-based): chr11:67,456,365, G>A. VCF-style: chr11-67456365-G-A. GRCh37 (hg19) VCF-style: chr11-67223836-G-A.
Other names: c.149G>A, p.Gly50Asp (NM_001300895.3, NM_001300896.3, NM_001379183.1); c.464G>A (NM_145200.3); short protein forms G155D, G50D.
Identifiers: ClinVar variation 1346551 (VCV001346551.7), dbSNP rs568970047, ClinGen allele CA6140228.
Genomic context (GRCh38, chr11:67,456,365, plus strand): 5'-AGGCCGCCTTCGAGGAGTTTGACACTGACCGTGACGGCTACATCAGCCACCGGGAGCTGG[G>A]TGACTGCATGCGGACCCTGGGCTACATGCCCACCGAGATGGAGCTCCTGGAGGTCTCGCA-3'
Protein context (NP_660201.1, residues 145-165): RDGYISHREL[Gly155Asp]DCMRTLGYMP

ClinVar aggregate classification (germline): Uncertain significance. Review status: criteria provided, multiple submitters, no conflicts (2 of 4 stars). 3 submissions from 3 submitters: Uncertain significance (3). Last evaluated 2026-06-20.

Conditions:
CABP4-related disorder. Also called: CABP4-related condition.

Allele frequency attached by ClinVar (database versions not stated): 1000 Genomes Project 30x 0.00016; 1000 Genomes Project 0.00020.
gnomAD v4.1: 30 of 1,613,770 alleles (0.0019%); highest among the groups gnomAD compares: East Asian, 0.062%; no homozygotes.

Submissions (3):

PreventionGenetics, part of Exact Sciences
Classification: Uncertain significance for CABP4-related condition. Last evaluated: 2026-06-20. Review status: criteria provided, single submitter. Criteria: ACMG Guidelines, 2015. Collection method: clinical testing. Allele origin: germline.
Comment: The CABP4 c.464G>A variant is predicted to result in the amino acid substitution p.Gly155Asp. This variant was reported in the compound heterozygous state in an individual with Leber congenital amaurosis (Wang et al. 2016. PubMed ID: 27422788) and was also reported in the heterozygous state in a family with autosomal dominant epilepsy (Chen et al. 2017. PubMed ID: 29108277). However, this variant is reported in 0.11% of alleles in individuals of East Asian descent in gnomAD, which may be too frequent to be a primary cause of disease. At this time, the clinical significance of this variant is uncertain due to the absence of conclusive functional and genetic evidence.

Labcorp Genetics (formerly Invitae), Labcorp
Classification: Uncertain significance. Last evaluated: 2022-10-24. Review status: criteria provided, single submitter. Criteria: Invitae Variant Classification Sherloc (09022015). Collection method: clinical testing. Allele origin: germline.
Comment: This sequence change replaces glycine, which is neutral and non-polar, with aspartic acid, which is acidic and polar, at codon 155 of the CABP4 protein (p.Gly155Asp). This variant is present in population databases (rs568970047, gnomAD 0.1%). This missense change has been observed in individual(s) with Leber congenital amaurosis (PMID: 27422788). ClinVar contains an entry for this variant (Variation ID: 1346551). Advanced modeling of protein sequence and biophysical properties (such as structural, functional, and spatial information, amino acid conservation, physicochemical variation, residue mobility, and thermodynamic stability) performed at Invitae indicates that this missense variant is expected to disrupt CABP4 protein function. In summary, the available evidence is currently insufficient to determine the role of this variant in disease. Therefore, it has been classified as a Variant of Uncertain Significance.

Blueprint Genetics
Classification: Uncertain significance. Last evaluated: 2021-11-02. Review status: criteria provided, single submitter. Criteria: ACMG Guidelines, 2015. Collection method: clinical testing. Allele origin: germline.

Literature cited by the submitters: PubMed 27422788 (cited by Labcorp Genetics (formerly Invitae), Labcorp).